The following is an entry in ClinVar:

NM_024301.5(FKRP):c.401G>C (p.Arg134Pro)

Gene: FKRP (fukutin related protein; plus strand). Cytogenetic location: 19q13.32.
Variant type: single nucleotide variant.
Coding change: c.401G>C on transcript NM_024301.5 (MANE Select); coding-DNA position 401, G replaced by C.
Protein change: p.Arg134Pro; replaces arginine 134 with proline.
Molecular consequence: missense variant.
Genome position (GRCh38, 1-based): chr19:46,755,851, G>C. VCF-style: chr19-46755851-G-C. GRCh37 (hg19) VCF-style: chr19-47259108-G-C.
Other names: c.401G>C, p.Arg134Pro (NM_001039885.3); short protein forms R134P.
Identifiers: ClinVar variation 283231 (VCV000283231.6), dbSNP rs886042579, ClinGen allele CA10604430.

ClinVar aggregate classification (germline): Uncertain significance. Review status: criteria provided, multiple submitters, no conflicts (2 of 4 stars). 2 submissions from 2 submitters: Uncertain significance (2). Last evaluated 2025-10-22.

Submissions (2):

Women's Health and Genetics/Laboratory Corporation of America, LabCorp
Classification: Uncertain significance. Last evaluated: 2025-10-22. Review status: criteria provided, single submitter. Criteria: LabCorp Variant Classification Summary - May 2015. Collection method: clinical testing. Allele origin: germline.
Comment: Variant summary: FKRP c.401G>C (p.Arg134Pro) results in a non-conservative amino acid change in the encoded protein sequence. Algorithms developed to predict the effect of missense changes on protein structure and function are either unavailable or do not agree on the potential impact of this missense change. The frequency data for this variant in gnomAD is considered unreliable, as metrics indicate poor data quality at this position. c.401G>C has been observed in an individual affected with Limb-Girdle Muscular Dystrophy, Autosomal Recessive (Song_2021). These data do not allow any conclusion about variant significance. At least one publication reports experimental evidence evaluating an impact on protein function. A high-throughput study using saturation mutagenesis-reinforced functional assays on all possible coding single nucleotide variants in FKRP found that the variant has an intermediate damaging effect (Ma_2024). The following publications have been ascertained in the context of this evaluation (PMID: 33200426, 39326416). ClinVar contains an entry for this variant (Variation ID: 283231). Based on the evidence outlined above, the variant was classified as VUS-possibly pathogenic.

Eurofins Ntd Llc (ga)
Classification: Uncertain significance. Last evaluated: 2018-06-25. Review status: criteria provided, single submitter. Criteria: EGL ClinVar v180209 classification definitions. Collection method: clinical testing. Allele origin: germline. Observed: 1 variant allele, 1 heterozygote.

Literature cited by the submitters: PubMed 33200426 (cited by Women's Health and Genetics/Laboratory Corporation of America, LabCorp); PubMed 39326416 (cited by Women's Health and Genetics/Laboratory Corporation of America, LabCorp).